The following is an entry in ClinVar:

NM_212482.4(FN1):c.1336T>C (p.Cys446Arg)

Genes: FN1 (fibronectin 1; minus strand), LOC126806498 (CDK7 strongly-dependent group 2 enhancer GRCh37_chr2:216288045-216289244; plus strand). Cytogenetic location: 2q35.
Variant type: single nucleotide variant.
Coding change: c.1336T>C on transcript NM_212482.4 (MANE Select); coding-DNA position 1336, T replaced by C.
Protein change: p.Cys446Arg; replaces cysteine 446 with arginine.
Molecular consequence: missense variant.
Genome position (GRCh38, 1-based): chr2:215,423,407, A>G on the plus strand (T>C on the coding strand, the complement: FN1 is on the minus strand). VCF-style: chr2-215423407-A-G. GRCh37 (hg19) VCF-style: chr2-216288130-A-G.
Other names: c.1336T>C, p.Cys446Arg (NM_001306129.2, NM_001306130.2, NM_001306131.2 and 14 more transcripts); short protein forms C446R.
Identifiers: ClinVar variation 4733262 (VCV004733262.1).
Genomic context (GRCh38, chr2:215,423,407, plus strand): 5'-TACCAGCCATGGGGCAGAACCCAAACTTCTGGTCGGCATCATAGTTCTGTGTGGTCCCAC[A>G]CCACTTCATGTTGTCTCTTCTGCCCTCAGAAGTGCAATCAGTGTAATTGTGGTTGTTGTA-3'
Protein context (NP_997647.2, residues 436-456): SEGRRDNMKW[Cys446Arg]GTTQNYDADQ

ClinVar aggregate classification (germline): Uncertain significance (1 of 4 stars; one submission).

Submission:

Labcorp Genetics (formerly Invitae), Labcorp
Classification: Uncertain significance. Last evaluated: 2026-01-22. Review status: criteria provided, single submitter. Criteria: Invitae Variant Classification Sherloc (09022015). Collection method: clinical testing. Allele origin: germline.
Comment: This sequence change replaces cysteine, which is neutral and slightly polar, with arginine, which is basic and polar, at codon 446 of the FN1 protein (p.Cys446Arg). This variant is not present in population databases (gnomAD no frequency). This variant has not been reported in the literature in individuals affected with FN1-related conditions. An algorithm developed to predict the effect of missense changes on protein structure and function (PolyPhen-2) suggests that this variant is likely to be disruptive. In summary, the available evidence is currently insufficient to determine the role of this variant in disease. Therefore, it has been classified as a Variant of Uncertain Significance.